The following is an entry in ClinVar:

ClinVar aggregate classification (germline): Uncertain significance (1 of 4 stars; one submission).

Submission:

Labcorp Genetics (formerly Invitae), Labcorp
Classification: Uncertain significance. Last evaluated: 2024-01-12. Review status: criteria provided, single submitter. Criteria: Invitae Variant Classification Sherloc (09022015). Collection method: clinical testing. Allele origin: germline.
Comment: This sequence change replaces histidine, which is basic and polar, with tyrosine, which is neutral and polar, at codon 154 of the POU4F3 protein (p.His154Tyr). This variant is not present in population databases (gnomAD no frequency). This variant has not been reported in the literature in individuals affected with POU4F3-related conditions. Advanced modeling of protein sequence and biophysical properties (such as structural, functional, and spatial information, amino acid conservation, physicochemical variation, residue mobility, and thermodynamic stability) has been performed at Invitae for this missense variant, however the output from this modeling did not meet the statistical confidence thresholds required to predict the impact of this variant on POU4F3 protein function. In summary, the available evidence is currently insufficient to determine the role of this variant in disease. Therefore, it has been classified as a Variant of Uncertain Significance.

NM_002700.3(POU4F3):c.460C>T (p.His154Tyr)

Genes: RBM27-POU4F3 (RBM27-POU4F3 readthrough; plus strand), POU4F3 (POU class 4 homeobox 3; plus strand). Cytogenetic location: 5q32.
Variant type: single nucleotide variant.
Coding change: c.460C>T on transcript NM_002700.3 (MANE Select); coding-DNA position 460, C replaced by T.
Protein change: p.His154Tyr; replaces histidine 154 with tyrosine.
Molecular consequence: missense variant. On other transcripts: 3 prime UTR variant (1).
Genome position (GRCh38, 1-based): chr5:146,339,887, C>T. VCF-style: chr5-146339887-C-T. GRCh37 (hg19) VCF-style: chr5-145719450-C-T.
Other names: c.*329C>T (NM_001414499.1); short protein forms H154Y.
Identifiers: ClinVar variation 2709079 (VCV002709079.3), dbSNP rs2479692696, ClinGen allele CA361620749.
Genomic context (GRCh38, chr5:146,339,887, plus strand): 5'-GCTCCGGAACACTCGGTGATGCCCGCACAGATCCATCCACACCACCTGGGCGCCATGGGC[C>T]ACCTGCACCAGGCCATGGGCATGAGTCACCCGCACACCGTGGCCCCTCATAGCGCCATGC-3'
Protein context (NP_002691.1, residues 144-164): IHPHHLGAMG[His154Tyr]LHQAMGMSHP